The following is an entry in ClinVar:

NM_001102401.4(TTI2):c.1031G>A (p.Arg344Gln)

Gene: TTI2 (TELO2 interacting protein 2; minus strand). Cytogenetic location: 8p12.
Variant type: single nucleotide variant.
Coding change: c.1031G>A on transcript NM_001102401.4 (MANE Select); coding-DNA position 1031, G replaced by A.
Protein change: p.Arg344Gln; replaces arginine 344 with glutamine.
Molecular consequence: missense variant.
Genome position (GRCh38, 1-based): chr8:33,503,832, C>T on the plus strand (G>A on the coding strand, the complement: TTI2 is on the minus strand). VCF-style: chr8-33503832-C-T. GRCh37 (hg19) VCF-style: chr8-33361350-C-T.
Other names: c.1031G>A, p.Arg344Gln (NM_001265581.2, NM_025115.5); c.938G>A, p.Arg313Gln (NM_001330505.3); short protein forms R313Q, R344Q.
Identifiers: ClinVar variation 768233 (VCV000768233.7), dbSNP rs116342278, ClinGen allele CA4707185.

ClinVar aggregate classification (germline): Benign. Review status: criteria provided, multiple submitters, no conflicts (2 of 4 stars). 3 submissions from 3 submitters: Benign (2). 1 of the submissions does not count toward it. Last evaluated 2019-12-31.

Conditions:
TTI2-related disorder. Also called: TTI2-related condition.

Allele frequency attached by ClinVar (database versions not stated): gnomAD exomes 0.00140 and 0.00399; ExAC 0.00479; 1000 Genomes Project 0.01418; gnomAD 0.01533 and 0.01670; 1000 Genomes Project 30x 0.01546; TOPMed 0.01744; ESP Exome Variant Server 0.01915.
gnomAD v4.1: 4,470 of 1,614,086 alleles (0.28%); highest among the groups gnomAD compares: African/African-American, 5.2%; 127 homozygotes.

Submissions (3):

Labcorp Genetics (formerly Invitae), Labcorp
Classification: Benign. Last evaluated: 2019-12-31. Review status: criteria provided, single submitter. Criteria: Invitae Variant Classification Sherloc (09022015). Collection method: clinical testing. Allele origin: germline.

Breakthrough Genomics
Classification: Benign. Review status: criteria provided, single submitter. Criteria: ACMG Guidelines, 2015. Collection method: not provided. Allele origin: germline. Inheritance: Autosomal recessive inheritance. Affected: yes.

PreventionGenetics, part of Exact Sciences
Classification: Benign for TTI2-related condition. Last evaluated: 2019-06-03. Review status: no assertion criteria provided. Collection method: clinical testing. Allele origin: germline. Not counted in ClinVar's aggregate classification.
Comment: This variant is classified as benign based on ACMG/AMP sequence variant interpretation guidelines (Richards et al. 2015 PMID: 25741868, with internal and published modifications).